The following is an entry in ClinVar:

NM_002332.3(LRP1):c.11202C>G (p.Pro3734=)

Gene: LRP1 (LDL receptor related protein 1; plus strand). Cytogenetic location: 12q13.3.
Variant type: single nucleotide variant.
Coding change: c.11202C>G on transcript NM_002332.3 (MANE Select); coding-DNA position 11202, C replaced by G.
Protein change: p.Pro3734=; no amino-acid change (proline 3734 retained).
Molecular consequence: synonymous variant.
Genome position (GRCh38, 1-based): chr12:57,205,116, C>G. VCF-style: chr12-57205116-C-G. GRCh37 (hg19) VCF-style: chr12-57598899-C-G.
Identifiers: ClinVar variation 3036034 (VCV003036034.2), dbSNP rs749898308, ClinGen allele CA6645222.

ClinVar aggregate classification (germline): Likely benign (0 of 4 stars; one submission).

Conditions:
LRP1-related disorder. Also called: LRP1-related condition.

Allele frequency attached by ClinVar (database versions not stated): ExAC 0.00001; gnomAD 0.00003; TOPMed 0.00003.
gnomAD v4.1: 11 of 1,613,320 alleles (0.00068%); highest among the groups gnomAD compares: African/African-American, 0.012%; no homozygotes.

Submission:

PreventionGenetics, part of Exact Sciences
Classification: Likely benign for LRP1-related condition. Last evaluated: 2019-12-26. Review status: no assertion criteria provided. Collection method: clinical testing. Allele origin: germline.
Comment: This variant is classified as likely benign based on ACMG/AMP sequence variant interpretation guidelines (Richards et al. 2015 PMID: 25741868, with internal and published modifications).